The following is an entry in ClinVar:

ClinVar aggregate classification (germline): Uncertain significance. Review status: criteria provided, multiple submitters, no conflicts (2 of 4 stars). 2 submissions from 2 submitters: Uncertain significance (2). Last evaluated 2025-09-10.

Conditions:
Hypertrophic cardiomyopathy 14. Identifiers: MedGen C2750467, MONDO:0013197, OMIM 613251.
Cardiovascular phenotype. Identifiers: MedGen CN230736.

gnomAD v4.1: 1 of 1,614,114 alleles (0.000062%); highest among the groups gnomAD compares: Non-Finnish European, 0.000085%; no homozygotes.

Submissions (2):

Ambry Genetics
Classification: Uncertain significance for Cardiovascular phenotype. Last evaluated: 2025-09-10. Review status: criteria provided, single submitter. Criteria: Ambry Variant Classification Scheme 2023. Collection method: clinical testing. Allele origin: germline.

Labcorp Genetics (formerly Invitae), Labcorp
Classification: Uncertain significance for Hypertrophic cardiomyopathy 14. Last evaluated: 2021-03-23. Review status: criteria provided, single submitter. Criteria: Invitae Variant Classification Sherloc (09022015). Collection method: clinical testing. Allele origin: germline.
Comment: This sequence change replaces glycine with serine at codon 1930 of the MYH6 protein (p.Gly1930Ser). The glycine residue is weakly conserved and there is a small physicochemical difference between glycine and serine. In summary, the available evidence is currently insufficient to determine the role of this variant in disease. Therefore, it has been classified as a Variant of Uncertain Significance. Algorithms developed to predict the effect of missense changes on protein structure and function output the following: SIFT: "Tolerated"; PolyPhen-2: "Benign"; Align-GVGD: "Class C0". The serine amino acid residue is found in multiple mammalian species, suggesting that this missense change does not adversely affect protein function. These predictions have not been confirmed by published functional studies and their clinical significance is uncertain. This variant has not been reported in the literature in individuals with MYH6-related conditions. This variant is not present in population databases (ExAC no frequency).

NM_002471.4(MYH6):c.5788G>A (p.Gly1930Ser)

Gene: MYH6 (myosin heavy chain 6; minus strand). Cytogenetic location: 14q11.2.
Variant type: single nucleotide variant.
Coding change: c.5788G>A on transcript NM_002471.4 (MANE Select); coding-DNA position 5788, G replaced by A.
Protein change: p.Gly1930Ser; replaces glycine 1930 with serine.
Molecular consequence: missense variant.
Genome position (GRCh38, 1-based): chr14:23,382,436, C>T on the plus strand (G>A on the coding strand, the complement: MYH6 is on the minus strand). VCF-style: chr14-23382436-C-T. GRCh37 (hg19) VCF-style: chr14-23851645-C-T.
Other names: c.5788G>A (NM_002471.3); short protein forms G1930S.
Identifiers: ClinVar variation 1389860 (VCV001389860.9), dbSNP rs761796189, ClinGen allele CA388981123.